The following is an entry in ClinVar:

ClinVar aggregate classification (germline): Uncertain significance. Review status: criteria provided, multiple submitters, no conflicts (2 of 4 stars). 2 submissions from 2 submitters: Uncertain significance (2). Last evaluated 2023-04-20.

Conditions:
Hereditary cancer-predisposing syndrome. Also called: Neoplastic Syndromes, Hereditary; Tumor predisposition; Hereditary Cancer Syndrome; Hereditary neoplastic syndrome. Identifiers: Orphanet 140162, MedGen C0027672, MeSH D009386, MONDO:0015356.
Fanconi anemia complementation group C (FANCC). Also called: FANCONI PANCYTOPENIA, TYPE 3; FACC; Fanconi anemia, group C; FANCC-Related Fanconi Anemia. Identifiers: Orphanet 84, MedGen C3468041, MONDO:0009213, OMIM 227645.

Allele frequency attached by ClinVar (database versions not stated): TOPMed below 0.00001.

Submissions (2):

St. Jude Molecular Pathology, St. Jude Children's Research Hospital
Classification: Uncertain significance for Fanconi anemia complementation group C. Last evaluated: 2023-04-20. Review status: criteria provided, single submitter. Criteria: St. Jude Assertion Criteria 2020. Collection method: clinical testing. Allele origin: germline.
Comment: The FANCC c.1645G>C (p.Glu549Gln) missense change is absent in gnomAD v2.1.1. The in silico tool REVEL predicts a benign effect on protein function, but to our knowledge this prediction has not been confirmed by functional studies. To our knowledge, this variant has not been reported in individuals with Fanconi anemia. In summary, the evidence currently available is insufficient to determine the clinical significance of this variant. It has therefore been classified as of uncertain significance.

Ambry Genetics
Classification: Uncertain significance for Hereditary cancer-predisposing syndrome. Last evaluated: 2022-09-04. Review status: criteria provided, single submitter. Criteria: Ambry Variant Classification Scheme 2023. Collection method: clinical testing. Allele origin: germline.
Comment: The p.E549Q variant (also known as c.1645G>C), located in coding exon 14 of the FANCC gene, results from a G to C substitution at nucleotide position 1645. The glutamic acid at codon 549 is replaced by glutamine, an amino acid with highly similar properties. This amino acid position is conserved. In addition, this alteration is predicted to be tolerated by in silico analysis. Since supporting evidence is limited at this time, the clinical significance of this alteration remains unclear.

NM_000136.3(FANCC):c.1645G>C (p.Glu549Gln)

Genes: AOPEP (aminopeptidase O (putative); plus strand), FANCC (FA complementation group C; minus strand). Cytogenetic location: 9q22.32.
Variant type: single nucleotide variant.
Coding change: c.1645G>C on transcript NM_000136.3 (MANE Select); coding-DNA position 1645, G replaced by C.
Protein change: p.Glu549Gln; replaces glutamic acid 549 with glutamine.
Molecular consequence: missense variant.
Genome position (GRCh38, 1-based): chr9:95,101,739, C>G on the plus strand (G>C on the coding strand, the complement: FANCC is on the minus strand). VCF-style: chr9-95101739-C-G. GRCh37 (hg19) VCF-style: chr9-97864021-C-G.
Other names: c.1645G>C, p.Glu549Gln (NM_001243743.2); short protein forms E549Q.
Identifiers: ClinVar variation 1777147 (VCV001777147.3), dbSNP rs2071083119, ClinGen allele CA374104307.
Genomic context (GRCh38, chr9:95,101,739, plus strand): 5'-CCGGGCACCCACACGGCCTGCGTGCCTTCTAGACTTGAGTTCGCAGCTCTTTAAGGAGCT[C>G]TCGGGCCAGTTTTTCTGATCTAGGGCTTTCAATGCCAAGACGATTCCATCTGTACAAGGT-3'
Protein context (NP_000127.2, residues 539-558): ESPRSEKLAR[Glu549Gln]LLKELRTQV